The following is an entry in ClinVar:

ClinVar aggregate classification (germline): Pathogenic. Review status: criteria provided, single submitter (1 of 4 stars). 2 submissions from 2 submitters: Pathogenic (1). 1 of the submissions does not count toward it. Last evaluated 2025-01-15.

Conditions:
X-linked severe congenital neutropenia (SCNX). Identifiers: Orphanet 86788, MedGen C1845987, MONDO:0010294, OMIM 300299.
Wiskott-Aldrich syndrome (WAS). Also called: WISKOTT-ALDRICH SYNDROME 1; Wiskott-aldrich syndrome, somatic; ALDRICH SYNDROME; IMMUNODEFICIENCY 2. Identifiers: Orphanet 906, MedGen C0043194, MONDO:0010518, OMIM 301000.
Thrombocytopenia 1. Also called: THROMBOCYTOPENIA, X-LINKED, 1; X-linked thrombocytopenia with normal platelets; X-Linked Thrombocytopenia (XLT). Identifiers: Orphanet 268322, Orphanet 852, MedGen C1839163, MONDO:0010743, OMIM 313900.

Submissions (2):

Labcorp Genetics (formerly Invitae), Labcorp
Classification: Pathogenic for Wiskott-Aldrich syndrome; X-linked severe congenital neutropenia; Thrombocytopenia 1. Last evaluated: 2025-01-15. Review status: criteria provided, single submitter. Criteria: Invitae Variant Classification Sherloc (09022015). Collection method: clinical testing. Allele origin: germline.
Comment: This sequence change affects an acceptor splice site in intron 7 of the WAS gene. It is expected to disrupt RNA splicing. Variants that disrupt the donor or acceptor splice site typically lead to a loss of protein function (PMID: 16199547), and loss-of-function variants in WAS are known to be pathogenic (PMID: 15284122). This variant is not present in population databases (gnomAD no frequency). Disruption of this splice site has been observed in individuals with Wiskott-Aldrich syndrome (PMID: 19308710, 30981783). ClinVar contains an entry for this variant (Variation ID: 638575). Algorithms developed to predict the effect of sequence changes on RNA splicing suggest that this variant may disrupt the consensus splice site. For these reasons, this variant has been classified as Pathogenic.

San Raffaele Telethon Institute for Gene Therapy, San Raffaele Hospital
Classification: Pathogenic for WISKOTT-ALDRICH SYNDROME. Last evaluated: 2013-03-25. Review status: no assertion criteria provided. Collection method: clinical testing. Allele origin: maternal. Affected: yes. Not counted in ClinVar's aggregate classification.
Comment: X-linked recessive immunodeficiency characterized by thrombocytopenia, eczema, and recurrent infections

Literature cited by the submitters: PubMed 16199547 (cited by Labcorp Genetics (formerly Invitae), Labcorp); PubMed 15284122 (cited by Labcorp Genetics (formerly Invitae), Labcorp); PubMed 19308710 (cited by Labcorp Genetics (formerly Invitae), Labcorp); PubMed 30981783 (cited by Labcorp Genetics (formerly Invitae), Labcorp and San Raffaele Telethon Institute for Gene Therapy, San Raffaele Hospital).

NM_000377.3(WAS):c.735-2A>G

Gene: WAS (WASP actin nucleation promoting factor; plus strand). Cytogenetic location: Xp11.23.
Variant type: single nucleotide variant.
Coding change: c.735-2A>G on transcript NM_000377.3 (MANE Select); the canonical splice acceptor site of the intron before coding-DNA position 735, A replaced by G.
Molecular consequence: splice acceptor variant.
Genome position (GRCh38, 1-based): chrX:48,688,052, A>G. VCF-style: chrX-48688052-A-G. GRCh37 (hg19) VCF-style: chrX-48546441-A-G.
Identifiers: ClinVar variation 638575 (VCV000638575.4), dbSNP rs1602178800, ClinGen allele CA412872029.
Genomic context (GRCh38, chrX:48,688,052, plus strand): 5'-CACTATGAAGGGAGGGAAGGAAGGGCAGTGAGGATTCACTGGAGTCTCTTCACCTCTCCC[A>G]GGCATGTCAGCCACGTGGGGTGGGACCCCCAGAATGGATTTGACGTGAGTAACTTCAGAG-3'